The following is an entry in ClinVar:

NM_021930.6(RINT1):c.465C>T (p.Ile155=)

Gene: RINT1 (RAD50 interactor 1; plus strand). Cytogenetic location: 7q22.3.
Variant type: single nucleotide variant.
Coding change: c.465C>T on transcript NM_021930.6 (MANE Select); coding-DNA position 465, C replaced by T.
Protein change: p.Ile155=; no amino-acid change (isoleucine 155 retained).
Molecular consequence: synonymous variant. On other transcripts: 5 prime UTR variant (3), non-coding transcript variant (1).
Genome position (GRCh38, 1-based): chr7:105,542,599, C>T. VCF-style: chr7-105542599-C-T. GRCh37 (hg19) VCF-style: chr7-105183046-C-T.
Other names: c.231C>T, p.Ile77= (NM_001346599.2); c.-555C>T (NM_001346600.2); c.-458C>T (NM_001346601.2); c.-78C>T (NM_001346603.2); c.465C>T (NM_021930.5).
Identifiers: ClinVar variation 416394 (VCV000416394.17), dbSNP rs79893877, ClinGen allele CA4426430.

ClinVar aggregate classification (germline): Benign. Review status: criteria provided, multiple submitters, no conflicts (2 of 4 stars). 4 submissions from 4 submitters: Benign (3). 1 of the submissions does not count toward it. Last evaluated 2026-02-03.

Conditions:
RINT1-related disorder. Also called: RINT1-related condition.

Allele frequency attached by ClinVar (database versions not stated): ESP Exome Variant Server 0.00231; TOPMed 0.00568; gnomAD 0.00578 and 0.00636; 1000 Genomes Project 30x 0.01312; 1000 Genomes Project 0.01398.
gnomAD v4.1: 7,846 of 1,613,976 alleles (0.49%); highest among the groups gnomAD compares: East Asian, 4.7%; 128 homozygotes.

Submissions (4):

Labcorp Genetics (formerly Invitae), Labcorp
Classification: Benign. Last evaluated: 2026-02-03. Review status: criteria provided, single submitter. Criteria: Invitae Variant Classification Sherloc (09022015). Collection method: clinical testing. Allele origin: germline.

Ambry Genetics
Classification: Benign. Last evaluated: 2020-07-30. Review status: criteria provided, single submitter. Criteria: Ambry Variant Classification Scheme 2023. Collection method: clinical testing. Allele origin: germline.

Breakthrough Genomics
Classification: Benign. Review status: criteria provided, single submitter. Criteria: ACMG Guidelines, 2015. Collection method: not provided. Allele origin: germline. Inheritance: Autosomal recessive inheritance. Affected: yes.

PreventionGenetics, part of Exact Sciences
Classification: Benign for RINT1-related condition. Last evaluated: 2019-03-28. Review status: no assertion criteria provided. Collection method: clinical testing. Allele origin: germline. Not counted in ClinVar's aggregate classification.
Comment: This variant is classified as benign based on ACMG/AMP sequence variant interpretation guidelines (Richards et al. 2015 PMID: 25741868, with internal and published modifications).